The following is an entry in ClinVar:

NM_000179.3(MSH6):c.3557-185C>T

Gene: MSH6 (mutS homolog 6; plus strand). Cytogenetic location: 2p16.3.
Variant type: single nucleotide variant.
Coding change: c.3557-185C>T on transcript NM_000179.3 (MANE Select); 185 bases into the intron before coding-DNA position 3557, C replaced by T.
Molecular consequence: intron variant.
Genome position (GRCh38, 1-based): chr2:47,805,433, C>T. VCF-style: chr2-47805433-C-T. GRCh37 (hg19) VCF-style: chr2-48032572-C-T.
Other names: c.2651-185C>T (NM_001281493.2, NM_001281494.2); c.3167-185C>T (NM_001281492.2).
Identifiers: ClinVar variation 597187 (VCV000597187.16), dbSNP rs3136357, ClinGen allele CA11114733.
Genomic context (GRCh38, chr2:47,805,433, plus strand): 5'-GTTTCACCATGTTAGGCTGGTCTCTTAACTCCTGACCTCAGGTGATCTGCTTGCCTCGGC[C>T]TCCCAAAGTGCTGGGATTACAGGCGTGAGCCACCGTGCCCGGCCAATAATTGCATAGTCT-3'

ClinVar aggregate classification (germline): Benign. Review status: criteria provided, multiple submitters, no conflicts (2 of 4 stars). 3 submissions from 3 submitters: Benign (3). Last evaluated 2026-02-02.

Conditions:
Hereditary nonpolyposis colorectal neoplasms. Identifiers: MedGen C0009405, MeSH D003123.

Allele frequency attached by ClinVar (database versions not stated): 1000 Genomes Project 0.02935; 1000 Genomes Project 30x 0.02936; TOPMed 0.06220; gnomAD 0.07294 and 0.07557.
gnomAD v4.1: 11,079 of 152,246 alleles (7.3%); highest among the groups gnomAD compares: Non-Finnish European, 11%; 573 homozygotes.

Submissions (3):

Labcorp Genetics (formerly Invitae), Labcorp
Classification: Benign for Hereditary nonpolyposis colorectal neoplasms. Last evaluated: 2026-02-02. Review status: criteria provided, single submitter. Criteria: Invitae Variant Classification Sherloc (09022015). Collection method: clinical testing. Allele origin: germline.

GeneDx
Classification: Benign. Last evaluated: 2018-06-23. Review status: criteria provided, single submitter. Criteria: GeneDx Variant Classification Process June 2021. Collection method: clinical testing. Allele origin: germline. Affected: yes.
Comment: This variant is associated with the following publications: (PMID: 28874130)

Eurofins Ntd Llc (ga)
Classification: Benign. Last evaluated: 2018-05-29. Review status: criteria provided, single submitter. Criteria: EGL ClinVar v180209 classification definitions. Collection method: clinical testing. Allele origin: germline. Observed: 1 variant allele, 1 heterozygote.